The following is an entry in ClinVar:

NM_001458.5(FLNC):c.338del (p.Lys113fs)

Gene: FLNC (filamin C; plus strand). Cytogenetic location: 7q32.1.
Variant type: Deletion.
Coding change: c.338del on transcript NM_001458.5 (MANE Select); coding-DNA position 338, one base deleted (A; older notation c.338delA).
Protein change: p.Lys113fs; shifts the reading frame from lysine 113.
Molecular consequence: frameshift variant.
Genome position (GRCh38, 1-based): chr7:128,830,975, A deleted; the last of 2 consecutive A bases (chr7:128,830,974-128,830,975); deleting either gives the same sequence. VCF-style (leftmost placement, unchanged base first): chr7-128830973-CA-C. GRCh37 (hg19) VCF-style: chr7-128471027-CA-C.
Other names: c.338del, p.Lys113fs (NM_001127487.2); short protein forms K113fs.
Identifiers: ClinVar variation 1730885 (VCV001730885.7), dbSNP rs2536605789, ClinGen allele CA2580076531.

ClinVar aggregate classification (germline): Pathogenic. Review status: criteria provided, multiple submitters, no conflicts (2 of 4 stars). 2 submissions from 2 submitters: Pathogenic (2). Last evaluated 2024-10-06.

Conditions:
Cardiovascular phenotype. Identifiers: MedGen CN230736.
Distal myopathy with posterior leg and anterior hand involvement. Also called: WILLIAMS DISTAL MYOPATHY. Identifiers: Orphanet 63273, MedGen C3279722, MONDO:0013550, OMIM 614065.
Hypertrophic cardiomyopathy 26. Also called: Cardiomyopathy, familial hypertrophic, 26. Identifiers: Orphanet 75249, MedGen C4310749, MONDO:0014883, OMIM 617047.
Myofibrillar myopathy 5. Also called: Filaminopathy (type); FILAMINOPATHY, AUTOSOMAL DOMINANT. Identifiers: Orphanet 171445, MedGen C1836050, MONDO:0012289, OMIM 609524.

Submissions (2):

Labcorp Genetics (formerly Invitae), Labcorp
Classification: Pathogenic for Distal myopathy with posterior leg and anterior hand involvement; Myofibrillar myopathy 5; Hypertrophic cardiomyopathy 26. Last evaluated: 2024-10-06. Review status: criteria provided, single submitter. Criteria: Invitae Variant Classification Sherloc (09022015). Collection method: clinical testing. Allele origin: germline.
Comment: This sequence change creates a premature translational stop signal (p.Lys113Serfs*5) in the FLNC gene. It is expected to result in an absent or disrupted protein product. Loss-of-function variants in FLNC are known to be pathogenic (PMID: 27908349). This variant is not present in population databases (gnomAD no frequency). This variant has not been reported in the literature in individuals affected with FLNC-related conditions. ClinVar contains an entry for this variant (Variation ID: 1730885). For these reasons, this variant has been classified as Pathogenic.

Ambry Genetics
Classification: Pathogenic for Cardiovascular phenotype. Last evaluated: 2019-06-05. Review status: criteria provided, single submitter. Criteria: Ambry Variant Classification Scheme 2023. Collection method: clinical testing. Allele origin: germline.
Comment: The c.338delA variant, located in coding exon 1 of the FLNC gene, results from a deletion of one nucleotide at nucleotide position 338, causing a translational frameshift with a predicted alternate stop codon (p.K113Sfs*5). This alteration is expected to result in loss of function by premature protein truncation or nonsense-mediated mRNA decay. As such, this alteration is interpreted as a disease-causing mutation.

Literature cited by the submitters: PubMed 27908349 (cited by Labcorp Genetics (formerly Invitae), Labcorp).